The following is an entry in ClinVar:

NM_001105206.3(LAMA4):c.530C>T (p.Pro177Leu)

Gene: LAMA4 (laminin subunit alpha 4; minus strand). Cytogenetic location: 6q21.
Variant type: single nucleotide variant.
Coding change: c.530C>T on transcript NM_001105206.3 (MANE Select); coding-DNA position 530, C replaced by T.
Protein change: p.Pro177Leu; replaces proline 177 with leucine.
Molecular consequence: missense variant.
Genome position (GRCh38, 1-based): chr6:112,191,824, G>A on the plus strand (C>T on the coding strand, the complement: LAMA4 is on the minus strand). VCF-style: chr6-112191824-G-A. GRCh37 (hg19) VCF-style: chr6-112513026-G-A.
Other names: c.530C>T, p.Pro177Leu (NM_001105207.3, NM_002290.5); short protein forms P177L.
Identifiers: ClinVar variation 1746750 (VCV001746750.2), dbSNP rs781862080, ClinGen allele CA365378451.

ClinVar aggregate classification (germline): Uncertain significance (1 of 4 stars; one submission).

Conditions:
Cardiovascular phenotype. Identifiers: MedGen CN230736.

Submission:

Ambry Genetics
Classification: Uncertain significance for Cardiovascular phenotype. Last evaluated: 2021-03-23. Review status: criteria provided, single submitter. Criteria: Ambry Variant Classification Scheme 2023. Collection method: clinical testing. Allele origin: germline.
Comment: The p.P177L variant (also known as c.530C>T), located in coding exon 5 of the LAMA4 gene, results from a C to T substitution at nucleotide position 530. The proline at codon 177 is replaced by leucine, an amino acid with similar properties. This amino acid position is highly conserved in available vertebrate species. In addition, the in silico prediction for this alteration is inconclusive. Since supporting evidence is limited at this time, the clinical significance of this alteration remains unclear.